The following is an entry in ClinVar:

NM_001267550.2(TTN):c.42024del (p.Thr14009fs)

Gene: TTN (titin; minus strand). Cytogenetic location: 2q31.2.
Variant type: Deletion.
Coding change: c.42024del on transcript NM_001267550.2 (MANE Select); coding-DNA position 42024, one base deleted (T; older notation c.42024delT).
Protein change: p.Thr14009fs; shifts the reading frame from threonine 14009.
Molecular consequence: frameshift variant.
Genome position (GRCh38, 1-based): chr2:178,635,165, A deleted on the plus strand (T on the coding strand, the reverse complement: TTN is on the minus strand). VCF-style (leftmost placement, unchanged base first): chr2-178635164-CA-C. GRCh37 (hg19) VCF-style: chr2-179499891-CA-C.
Other names: c.37101del, p.Thr12368fs (NM_001256850.1); c.14829del, p.Thr4944fs (NM_003319.4); c.34320del, p.Thr11441fs (NM_133378.4); c.15204del, p.Thr5069fs (NM_133432.3); c.15405del, p.Thr5136fs (NM_133437.4); short protein forms T12368fs, T14009fs, T5136fs, T11441fs, T4944fs, T5069fs.
Identifiers: ClinVar variation 1039857 (VCV001039857.11), dbSNP rs2060282891, ClinGen allele CA1310557839.

ClinVar aggregate classification (germline): Likely pathogenic (1 of 4 stars; one submission).

Conditions:
Dilated cardiomyopathy 1G (CMD1G). Identifiers: Orphanet 154, MedGen C1858763, MONDO:0011400, OMIM 604145.
Autosomal recessive limb-girdle muscular dystrophy type 2J (LGMDR10). Also called: Limb-girdle muscular dystrophy, type 2J; MUSCULAR DYSTROPHY, LIMB-GIRDLE, AUTOSOMAL RECESSIVE 10. Identifiers: Orphanet 140922, MedGen C1837342, MONDO:0012127, OMIM 608807.

Submission:

Labcorp Genetics (formerly Invitae), Labcorp
Classification: Likely pathogenic for Dilated cardiomyopathy 1G; Autosomal recessive limb-girdle muscular dystrophy type 2J. Last evaluated: 2024-10-18. Review status: criteria provided, single submitter. Criteria: Invitae Variant Classification Sherloc (09022015). Collection method: clinical testing. Allele origin: germline.
Comment: This sequence change creates a premature translational stop signal (p.Thr14009Leufs*13) in the TTN gene. While this is not anticipated to result in nonsense mediated decay, it is expected to create a truncated TTN protein. This variant is not present in population databases (gnomAD no frequency). This variant has not been reported in the literature in individuals affected with TTN-related conditions. ClinVar contains an entry for this variant (Variation ID: 1039857). Algorithms developed to predict the effect of sequence changes on RNA splicing suggest that this variant may disrupt the consensus splice site. This variant is located in the I band of TTN (PMID: 25589632). Truncating variants in this region have been reported in individuals affected with autosomal recessive centronuclear myopathy (PMID: 23975875, internal data). Truncating variants in this region have also been identified in individuals affected with autosomal dominant dilated cardiomyopathy and/or cardio-related conditions (PMID: 27869827, 32964742, internal data). In summary, the currently available evidence indicates that the variant is pathogenic, but additional data are needed to prove that conclusively. Therefore, this variant has been classified as Likely Pathogenic.

Literature cited by the submitters: PubMed 25589632; PubMed 23975875; PubMed 27869827; PubMed 32964742.